The following is an entry in ClinVar:

ClinVar aggregate classification (germline): Likely pathogenic (1 of 4 stars; one submission).

Conditions:
Hereditary cancer-predisposing syndrome. Also called: Tumor predisposition; Hereditary Cancer Syndrome; Hereditary neoplastic syndrome; Neoplastic Syndromes, Hereditary. Identifiers: Orphanet 140162, MedGen C0027672, MeSH D009386, MONDO:0015356.

Submission:

Ambry Genetics
Classification: Likely pathogenic for Hereditary cancer-predisposing syndrome. Last evaluated: 2024-05-14. Review status: criteria provided, single submitter. Criteria: Ambry Variant Classification Scheme 2023. Collection method: clinical testing. Allele origin: germline.
Comment: The p.E705G variant (also known as c.2114A>G), located in coding exon 12 of the PMS2 gene, results from an A to G substitution at nucleotide position 2114. The glutamic acid at codon 705 is replaced by glycine, an amino acid with similar properties. Two other variants at the same codon, p.E705D (c.2115G>C) and p.E705K (c.2113G>A), have been identified in multiple patients with Lynch syndrome-associated malignancies, including tumors showing loss of PMS2 via immunohistochemistry and/or microsatellite instability (Miyaki M et al. Oncogene. 1997;15(23):2877-81; Senter L et al. Gastroenterology. 2008.135(2); 419-428; Miyaki M et al. Oncogene. 1997 Dec;15(23):2877-81; Lagerstedt Robinson K et al. J. Natl. Cancer Inst. 2007 Feb;99(4):291-9; Lagerstedt-Robinson K et al. Oncol. Rep. 2016 Nov;36(5):2823-2835; Haraldsdottir S et al. Nat Commun. 2017 May;8:14755, Pearlman R et al. JAMA Oncol. 2017 Apr;3:464-471; Thutkawkorapin J et al. Mol Genet Genomic Med, 2019 05;7:e605; Ambry internal data). This amino acid position is highly conserved in available vertebrate species. In addition, this alteration is predicted to be deleterious by in silico analysis. This missense alteration is located in a region that has a low rate of benign missense variation (Lek M et al. Nature. 2016 Aug 18;536(7616):285-91; DECIPHER: Database of Chromosomal Imbalance and Phenotype in Humans using Ensembl Resources. Firth H.V. et al. 2009. Am.J.Hum.Genet. 84, 524-533 (DOI)). This variant is considered to be rare based on population cohorts in the Genome Aggregation Database (gnomAD). Based on the majority of available evidence to date, this variant is likely to be pathogenic.

NM_000535.7(PMS2):c.2114A>G (p.Glu705Gly)

Gene: PMS2 (PMS1 homolog 2, mismatch repair system component; minus strand). Cytogenetic location: 7p22.1.
Variant type: single nucleotide variant.
Coding change: c.2114A>G on transcript NM_000535.7 (MANE Select); coding-DNA position 2114, A replaced by G.
Protein change: p.Glu705Gly; replaces glutamic acid 705 with glycine.
Molecular consequence: missense variant. On other transcripts: non-coding transcript variant (1), intron variant (4).
Genome position (GRCh38, 1-based): chr7:5,982,884, T>C on the plus strand (A>G on the coding strand, the complement: PMS2 is on the minus strand). VCF-style: chr7-5982884-T-C. GRCh37 (hg19) VCF-style: chr7-6022515-T-C.
Other names: c.1709A>G, p.Glu570Gly (NM_001322003.2, NM_001322004.2, NM_001322005.2 and 14 more transcripts); c.1958A>G, p.Glu653Gly (NM_001322006.2, NM_001406870.1); c.1796A>G, p.Glu599Gly (NM_001322007.2, NM_001322008.2, NM_001406876.1 and 1 more transcripts); c.1553A>G, p.Glu518Gly (NM_001322010.2, NM_001406906.1, NM_001406907.1); c.1181A>G, p.Glu394Gly (NM_001322011.2, NM_001322012.2); c.1541A>G, p.Glu514Gly (NM_001322013.2, NM_001406909.1); c.2114A>G, p.Glu705Gly (NM_001322014.2, NM_001406871.1); c.1805A>G, p.Glu602Gly (NM_001322015.2, NM_001406875.1, NM_001406877.1 and 5 more transcripts); and 16 more; short protein forms E570G, E597G, E602G, E705G, E394G, E534G, E550G, E599G.
Identifiers: ClinVar variation 3308099 (VCV003308099.1).
Genomic context (GRCh38, chr7:5,982,884, plus strand): 5'-GCTATGAGCCTCTGCCCCTGGAGCACGGTGTGCTGCTGCAGCATCTCGAAGTTATACTTC[T>C]CGTCCGTGGCATGCTGGTCCACTATGAAGATATCCTCATTCAGTTTGGTTATTATAAATC-3'
Protein context (NP_000526.2, residues 695-715): IFIVDQHATD[Glu705Gly]KYNFEMLQQH